The following is an entry in ClinVar:

ClinVar aggregate classification (germline): Pathogenic/Likely pathogenic. Review status: criteria provided, multiple submitters, no conflicts (2 of 4 stars). 2 submissions from 2 submitters: Pathogenic (1); Likely pathogenic (1). Last evaluated 2023-01-18.

Conditions:
Aniridia 1 (AN1). Identifiers: Orphanet 250923, MedGen C0344542, MONDO:0024507, OMIM 106210.
Irido-corneo-trabecular dysgenesis (ASGD5). Also called: ANTERIOR SEGMENT DYSGENESIS 5. Identifiers: Orphanet 708, MedGen C0344559, MONDO:0011414, OMIM 604229, HP:0000659.

Submissions (2):

Labcorp Genetics (formerly Invitae), Labcorp
Classification: Pathogenic for Aniridia 1; Irido-corneo-trabecular dysgenesis. Last evaluated: 2023-01-18. Review status: criteria provided, single submitter. Criteria: Invitae Variant Classification Sherloc (09022015). Collection method: clinical testing. Allele origin: germline.
Comment: For these reasons, this variant has been classified as Pathogenic. This sequence change replaces serine, which is neutral and polar, with phenylalanine, which is neutral and non-polar, at codon 43 of the PAX6 protein (p.Ser43Phe). This variant is not present in population databases (gnomAD no frequency). This missense change has been observed in individual(s) with clinical features of PAX6-related conditions (PMID: 22361317, 29780932, 32360764; Invitae). ClinVar contains an entry for this variant (Variation ID: 800399). Advanced modeling of protein sequence and biophysical properties (such as structural, functional, and spatial information, amino acid conservation, physicochemical variation, residue mobility, and thermodynamic stability) performed at Invitae indicates that this missense variant is expected to disrupt PAX6 protein function. This variant disrupts the p.Ser43 amino acid residue in PAX6. Other variant(s) that disrupt this residue have been determined to be pathogenic (PMID: 9931324, 14744876). This suggests that this residue is clinically significant, and that variants that disrupt this residue are likely to be disease-causing.

Wessex Regional Genetics Laboratory, Salisbury District Hospital
Classification: Likely pathogenic for Aniridia 1. Last evaluated: 2019-08-15. Review status: criteria provided, single submitter. Criteria: ACMG Guidelines, 2015. Collection method: clinical testing. Allele origin: unknown. Inheritance: Autosomal dominant inheritance. Affected: yes. Observed: 2 variant alleles.

Literature cited by the submitters: PubMed 22361317 (cited by Labcorp Genetics (formerly Invitae), Labcorp); PubMed 29780932 (cited by Labcorp Genetics (formerly Invitae), Labcorp); PubMed 32360764 (cited by Labcorp Genetics (formerly Invitae), Labcorp); PubMed 9931324 (cited by Labcorp Genetics (formerly Invitae), Labcorp); PubMed 14744876 (cited by Labcorp Genetics (formerly Invitae), Labcorp).

NM_001368894.2(PAX6):c.128C>T (p.Ser43Phe)

Gene: PAX6 (paired box 6; minus strand). Cytogenetic location: 11p13.
Variant type: single nucleotide variant.
Coding change: c.128C>T on transcript NM_001368894.2 (MANE Select); coding-DNA position 128, C replaced by T.
Protein change: p.Ser43Phe; replaces serine 43 with phenylalanine.
Molecular consequence: missense variant. On other transcripts: 5 prime UTR variant (12), non-coding transcript variant (2), intron variant (2).
Genome position (GRCh38, 1-based): chr11:31,802,717, G>A on the plus strand (C>T on the coding strand, the complement: PAX6 is on the minus strand). VCF-style: chr11-31802717-G-A. GRCh37 (hg19) VCF-style: chr11-31824265-G-A.
Other names: c.128C>T, p.Ser43Phe (NM_000280.6, NM_001127612.3, NM_001258462.3 and 30 more transcripts); c.-654C>T (NM_001310160.2, NM_001368905.2); c.-323C>T (NM_001310161.3, NM_001368900.2, NM_001368903.2 and 2 more transcripts); c.-281C>T (NM_001368899.2, NM_001368901.2, NM_001368906.2 and 1 more transcripts); c.-612C>T (NM_001368902.2); c.371C>T, p.Ser124Phe (NM_001368910.2); c.131C>T, p.Ser44Phe (NM_001368911.2); c.-267-941C>T (NM_001368909.2, NM_001368904.2); short protein forms S44F, S124F, S43F.
Identifiers: ClinVar variation 800399 (VCV000800399.10), dbSNP rs1592562836, ClinGen allele CA379959482.